The following is an entry in ClinVar:

NM_203447.4(DOCK8):c.3320T>G (p.Leu1107Arg)

Gene: DOCK8 (dedicator of cytokinesis 8; plus strand). Cytogenetic location: 9p24.3.
Variant type: single nucleotide variant.
Coding change: c.3320T>G on transcript NM_203447.4 (MANE Select); coding-DNA position 3320, T replaced by G.
Protein change: p.Leu1107Arg; replaces leucine 1107 with arginine.
Molecular consequence: missense variant.
Genome position (GRCh38, 1-based): chr9:405,003, T>G. VCF-style: chr9-405003-T-G. GRCh37 (hg19) VCF-style: chr9-405003-T-G.
Other names: c.3020T>G, p.Leu1007Arg (NM_001190458.2); c.3116T>G, p.Leu1039Arg (NM_001193536.2); short protein forms L1007R, L1039R, L1107R.
Identifiers: ClinVar variation 2042910 (VCV002042910.4), dbSNP rs1306465326, ClinGen allele CA372757831.

ClinVar aggregate classification (germline): Uncertain significance (1 of 4 stars; one submission).

Conditions:
Combined immunodeficiency due to DOCK8 deficiency (HIES2). Also called: HIES autosomal recessive; Hyper-IgE recurrent infection syndrome, autosomal recessive; HYPER-IgE SYNDROME 2, AUTOSOMAL RECESSIVE, WITH RECURRENT INFECTIONS; HYPER-IgE RECURRENT INFECTION SYNDROME 2, AUTOSOMAL RECESSIVE; DOCK8 Deficiency. Identifiers: Orphanet 217390, MedGen C4722305, MONDO:0009478, OMIM 243700.

Submission:

Labcorp Genetics (formerly Invitae), Labcorp
Classification: Uncertain significance for Combined immunodeficiency due to DOCK8 deficiency. Last evaluated: 2022-09-27. Review status: criteria provided, single submitter. Criteria: Invitae Variant Classification Sherloc (09022015). Collection method: clinical testing. Allele origin: germline.
Comment: In summary, the available evidence is currently insufficient to determine the role of this variant in disease. Therefore, it has been classified as a Variant of Uncertain Significance. Algorithms developed to predict the effect of missense changes on protein structure and function (SIFT, PolyPhen-2, Align-GVGD) all suggest that this variant is likely to be disruptive. This variant has not been reported in the literature in individuals affected with DOCK8-related conditions. This variant is not present in population databases (gnomAD no frequency). This sequence change replaces leucine, which is neutral and non-polar, with arginine, which is basic and polar, at codon 1107 of the DOCK8 protein (p.Leu1107Arg).